The following is an entry in ClinVar:

ClinVar aggregate classification (germline): Likely benign (0 of 4 stars; one submission).

Conditions:
CEMIP-related disorder. Also called: CEMIP-related condition.

Allele frequency attached by ClinVar (database versions not stated): ExAC 0.00001; 1000 Genomes Project 30x 0.00016; 1000 Genomes Project 0.00020.
gnomAD v4.1: 28 of 1,613,840 alleles (0.0017%); highest among the groups gnomAD compares: Admixed American, 0.012%; no homozygotes.

Submission:

PreventionGenetics, part of Exact Sciences
Classification: Likely benign for CEMIP-related condition. Last evaluated: 2019-07-15. Review status: no assertion criteria provided. Collection method: clinical testing. Allele origin: germline.
Comment: This variant is classified as likely benign based on ACMG/AMP sequence variant interpretation guidelines (Richards et al. 2015 PMID: 25741868, with internal and published modifications).

NM_001293298.2(CEMIP):c.1434C>T (p.Ile478=)

Gene: CEMIP (cell migration inducing hyaluronidase 1; plus strand). Cytogenetic location: 15q25.1.
Variant type: single nucleotide variant.
Coding change: c.1434C>T on transcript NM_001293298.2 (MANE Select); coding-DNA position 1434, C replaced by T.
Protein change: p.Ile478=; no amino-acid change (isoleucine 478 retained).
Molecular consequence: synonymous variant.
Genome position (GRCh38, 1-based): chr15:80,906,685, C>T. VCF-style: chr15-80906685-C-T. GRCh37 (hg19) VCF-style: chr15-81199026-C-T.
Other names: c.1434C>T, p.Ile478= (NM_001293304.2, NM_018689.3).
Identifiers: ClinVar variation 3050640 (VCV003050640.2), dbSNP rs202093898, ClinGen allele CA7692976.
Genomic context (GRCh38, chr15:80,906,685, plus strand): 5'-TACCTGCTGTTGTTTACCGTCCTCCCTTTCTGCCCTAGGGAAACCAATGTACCTGCACAT[C>T]GGGGAGGAGATAGACGGCGTGGACATGCGGGCGGAGGTTGGGCTTCTGAGCCGGAACATC-3'
Protein context (NP_001280227.1, residues 468-488): KVAGKPMYLH[Ile478=]GEEIDGVDMR